The following is an entry in ClinVar:

NM_000228.3(LAMB3):c.3382+1G>A

Gene: LAMB3 (laminin subunit beta 3; minus strand). Cytogenetic location: 1q32.2.
Variant type: single nucleotide variant.
Coding change: c.3382+1G>A on transcript NM_000228.3 (MANE Select); the canonical splice donor site of the intron after coding-DNA position 3382, G replaced by A.
Molecular consequence: splice donor variant.
Genome position (GRCh38, 1-based): chr1:209,616,470, C>T on the plus strand (G>A on the coding strand, the complement: LAMB3 is on the minus strand). VCF-style: chr1-209616470-C-T. GRCh37 (hg19) VCF-style: chr1-209789815-C-T.
Other names: c.3382+1G>A (NM_001127641.1, NM_001017402.2).
Identifiers: ClinVar variation 1030686 (VCV001030686.1), dbSNP rs112988476, ClinGen allele CA36745056.

ClinVar aggregate classification (germline): Likely pathogenic (1 of 4 stars; one submission).

Conditions:
Amelogenesis imperfecta type 1A. Also called: AMELOGENESIS IMPERFECTA, HYPOPLASTIC TYPE IA; Amelogenesis imperfecta local hypoplastic; Amelogenesis imperfecta, hypoplastic type; Amelogenesis imperfecta, type IA. Identifiers: Orphanet 88661, MedGen C4011403, MONDO:0007094, OMIM 104530.

Submission:

Baylor Genetics
Classification: Likely pathogenic for Amelogenesis imperfecta type 1A. Last evaluated: 2020-02-07. Review status: criteria provided, single submitter. Criteria: ACMG Guidelines, 2015. Collection method: clinical testing. Allele origin: unknown. Affected: yes.
Comment: This variant was determined to be likely pathogenic according to ACMG Guidelines, 2015 [PMID:25741868].